The following is an entry in ClinVar:

ClinVar aggregate classification (germline): Likely pathogenic (1 of 4 stars; one submission).

Submission:

GeneDx
Classification: Likely pathogenic. Last evaluated: 2018-03-16. Review status: criteria provided, single submitter. Criteria: GeneDx Variant Classification (06012015). Collection method: clinical testing. Allele origin: germline. Affected: yes.
Comment: This deletion of one nucleotide in BRCA2 is denoted c.9711delG at the cDNA level and p.Lys3238SerfsX11 (K3238SfsX11) at the protein level. The normal sequence, with the base that is deleted in brackets, is AAAG[delG]AAGT. The deletion causes a frameshift which changes a Lysine to a Serine at codon 3238, and creates a premature stop codon at position 11 of the new reading frame. Although this variant has not, to our knowledge, been reported in the literature, it is predicted to cause loss of normal protein function through protein truncation, as the last 181 amino acids are lost and replaced with 10 incorrect amino acids. The disrupted region at the end of the gene impacts the NLS1 and NLS2 domains, the RAD51 and Cyclin A binding domains, the Serine residue phosphorylated by CDK1/2, and the Threonine residue phosphorylated by CHEK1/2 (Esashi 2005, Bahassi 2008, Borg 2010, Roy 2012). This frameshift occurs in the last exon of the gene and results in truncation near a well-known BRCA2 nonsense polymorphism (K3326X). On one hand, any large truncation such as this would generally be pathogenic. However, because of the well-published downstream nonsense polymorphism, we know that loss of the end of the BRCA2 protein is not disease-causing. Based on currently available evidence, we consider this deletion to be a likely pathogenic variant.

NM_000059.4(BRCA2):c.9711del (p.Lys3238fs)

Gene: BRCA2 (BRCA2 DNA repair associated; plus strand). Cytogenetic location: 13q13.1.
Variant type: Deletion.
Coding change: c.9711del on transcript NM_000059.4 (MANE Select); coding-DNA position 9711, one base deleted (G; older notation c.9711delG).
Protein change: p.Lys3238fs; shifts the reading frame from lysine 3238.
Molecular consequence: frameshift variant.
Genome position (GRCh38, 1-based): chr13:32,398,224, G deleted; the last of 2 consecutive G bases (chr13:32,398,223-32,398,224); deleting either gives the same sequence. VCF-style (leftmost placement, unchanged base first): chr13-32398222-AG-A. GRCh37 (hg19) VCF-style: chr13-32972359-AG-A.
Other names: c.9711delG (NM_000059.3); short protein forms K3238fs.
Identifiers: ClinVar variation 545890 (VCV000545890.2), dbSNP rs1555289923, ClinGen allele CA658823603.